The following is an entry in ClinVar:

NM_004646.4(NPHS1):c.712+2T>G

Gene: NPHS1 (NPHS1 adhesion molecule, nephrin; minus strand). Cytogenetic location: 19q13.12.
Variant type: single nucleotide variant.
Coding change: c.712+2T>G on transcript NM_004646.4 (MANE Select); the canonical splice donor site of the intron after coding-DNA position 712, T replaced by G.
Molecular consequence: splice donor variant.
Genome position (GRCh38, 1-based): chr19:35,849,548, A>C on the plus strand (T>G on the coding strand, the complement: NPHS1 is on the minus strand). VCF-style: chr19-35849548-A-C. GRCh37 (hg19) VCF-style: chr19-36340450-A-C.
Identifiers: ClinVar variation 5003420 (VCV005003420.1).

ClinVar aggregate classification (germline): Likely pathogenic (1 of 4 stars; one submission).

Conditions:
Finnish congenital nephrotic syndrome (NPHS1). Also called: NEPHROTIC SYNDROME, TYPE 1. Identifiers: Orphanet 839, MedGen C0403399, MONDO:0009732, OMIM 256300.

Submission:

Myriad Genetics, Inc.
Classification: Likely pathogenic for Finnish congenital nephrotic syndrome. Last evaluated: 2025-12-01. Review status: criteria provided, single submitter. Criteria: Myriad Autosomal Dominant, Autosomal Recessive and X-Linked Classification Criteria (2023). Collection method: clinical testing. Allele origin: unknown.
Comment: NM_004646.3(NPHS1):c.712+2T>G is a variant in a canonical splice site classified as likely pathogenic in the context of nephrotic syndrome, NPHS1-related. c.712+2T>G has not been observed in cases with relevant disease. Relevant functional assessments of this variant are not available in the literature. c.712+2T>G has not been observed in referenced population frequency databases. In summary, NM_004646.3(NPHS1):c.712+2T>G is a variant in a canonical splice site in a gene where loss of function is a known mechanism of disease and is predicted to disrupt protein function. Please note: this variant was assessed in the context of healthy population screening.